The following is an entry in ClinVar:

NM_014159.7(SETD2):c.1858C>T (p.Arg620Ter)

Gene: SETD2 (SET domain containing 2, histone lysine methyltransferase; minus strand). Cytogenetic location: 3p21.31.
Variant type: single nucleotide variant.
Coding change: c.1858C>T on transcript NM_014159.7 (MANE Select); coding-DNA position 1858, C replaced by T.
Protein change: p.Arg620Ter; replaces arginine 620 with a stop codon.
Molecular consequence: nonsense. On other transcripts: non-coding transcript variant (1).
Genome position (GRCh38, 1-based): chr3:47,122,778, G>A on the plus strand (C>T on the coding strand, the complement: SETD2 is on the minus strand). VCF-style: chr3-47122778-G-A. GRCh37 (hg19) VCF-style: chr3-47164268-G-A.
Other names: c.1726C>T, p.Arg576Ter (NM_001349370.3); short protein forms R576*, R620*.
Identifiers: ClinVar variation 4291942 (VCV004291942.1).

ClinVar aggregate classification (germline): Likely pathogenic (1 of 4 stars; one submission).

Conditions:
SETD2-related disorder.

Submission:

3billion
Classification: Likely pathogenic for SETD2-related disorder. Last evaluated: 2025-03-07. Review status: criteria provided, single submitter. Criteria: ACMG Guidelines, 2015. Collection method: clinical testing. Allele origin: germline. Affected: yes.
Comment: The variant is not observed in the gnomAD v4.1.0 dataset. Predicted Consequence/Location: Stop-gained (nonsense): predicted to result in a loss or disruption of normal protein function through nonsense-mediated decay (NMD) or protein truncation. Multiple pathogenic variants are reported downstream of the variant. Therefore, this variant is classified as Likely pathogenic according to the recommendation of ACMG/AMP guideline.